The following is an entry in ClinVar:

NM_024675.4(PALB2):c.2515-13T>G

Gene: PALB2 (partner and localizer of BRCA2; minus strand). Cytogenetic location: 16p12.2.
Variant type: single nucleotide variant.
Coding change: c.2515-13T>G on transcript NM_024675.4 (MANE Select); 13 bases into the intron before coding-DNA position 2515, T replaced by G.
Molecular consequence: intron variant.
Genome position (GRCh38, 1-based): chr16:23,629,288, A>C on the plus strand (T>G on the coding strand, the complement: PALB2 is on the minus strand). VCF-style: chr16-23629288-A-C. GRCh37 (hg19) VCF-style: chr16-23640609-A-C.
Other names: c.1630-13T>G (NM_001407308.1, NM_001407306.1, NM_001407307.1 and 5 more transcripts); c.49-13T>G (NM_001407314.1); c.727-13T>G (NM_001407313.1, NM_001407312.1); c.2455-13T>G (NM_001407296.1); c.2514+352T>G (NM_001407297.1); c.2515-13T>G (NM_001407302.1, NM_001407298.1, NM_001407300.1 and 2 more transcripts).
Identifiers: ClinVar variation 4736432 (VCV004736432.1).
Genomic context (GRCh38, chr16:23,629,288, plus strand): 5'-GTTGCCTGGGTTTATGCTATCAGAAGCAGGAAGCTCTGCTGTTTCAGTCTGTGAAAACAA[A>C]AGTCACATCATTAGTCTACACTTTATGTATAATGTCTGCCTGCATTACCCACTCATCAAA-3'

ClinVar aggregate classification (germline): Uncertain significance (1 of 4 stars; one submission).

Conditions:
Familial cancer of breast. Also called: hereditary breast carcinoma; BREAST CANCER, FAMILIAL; Hereditary breast cancer. Identifiers: Orphanet 227535, MedGen C0346153, MONDO:0016419, OMIM 114480. Disease mechanism: loss of function.

Submission:

Labcorp Genetics (formerly Invitae), Labcorp
Classification: Uncertain significance for Familial cancer of breast. Last evaluated: 2026-01-28. Review status: criteria provided, single submitter. Criteria: Invitae Variant Classification Sherloc (09022015). Collection method: clinical testing. Allele origin: germline.
Comment: This sequence change falls in intron 5 of the PALB2 gene. It does not directly change the encoded amino acid sequence of the PALB2 protein. This variant is not present in population databases (gnomAD no frequency). This variant has not been reported in the literature in individuals affected with PALB2-related conditions. Algorithms developed to predict the effect of sequence changes on RNA splicing suggest that this variant may disrupt the consensus splice site. In summary, the available evidence is currently insufficient to determine the role of this variant in disease. Therefore, it has been classified as a Variant of Uncertain Significance.